The following is an entry in ClinVar:

ClinVar aggregate classification (germline): Pathogenic (1 of 4 stars; one submission).

Submission:

Labcorp Genetics (formerly Invitae), Labcorp
Classification: Pathogenic. Last evaluated: 2024-01-31. Review status: criteria provided, single submitter. Criteria: Invitae Variant Classification Sherloc (09022015). Collection method: clinical testing. Allele origin: germline.
Comment: This sequence change creates a premature translational stop signal (p.Ser590Phefs*7) in the CACNA1F gene. It is expected to result in an absent or disrupted protein product. Loss-of-function variants in CACNA1F are known to be pathogenic (PMID: 9662399, 11281458, 17525176, 22194652, 24124559, 26992781). This variant is not present in population databases (gnomAD no frequency). This variant has not been reported in the literature in individuals affected with CACNA1F-related conditions. For these reasons, this variant has been classified as Pathogenic.

Literature cited by the submitters: PubMed 9662399; PubMed 11281458; PubMed 17525176; PubMed 22194652; PubMed 24124559; PubMed 26992781.

NM_001256789.3(CACNA1F):c.1734_1735del (p.Ser579fs)

Gene: CACNA1F (calcium voltage-gated channel subunit alpha1 F; minus strand). Cytogenetic location: Xp11.23.
Variant type: Microsatellite.
Coding change: c.1734_1735del on transcript NM_001256789.3 (MANE Select); coding-DNA positions 1734 to 1735, 2 bases deleted (GT; older notation c.1734_1735delGT).
Protein change: p.Ser579fs; shifts the reading frame from serine 579.
Molecular consequence: frameshift variant.
Genome position (GRCh38, 1-based): chrX:49,224,903-49,224,904, AC deleted on the plus strand (GT on the coding strand, the reverse complement: CACNA1F is on the minus strand); deleting any 2 consecutive bases within chrX:49,224,903-49,224,907 gives the same sequence; the c. name uses the placement nearest the transcript's 3' end. VCF-style (leftmost placement, unchanged base first): chrX-49224902-GAC-G. GRCh37 (hg19) VCF-style: chrX-49081364-GAC-G.
Other names: c.1572_1573del, p.Ser525fs (NM_001256790.3); c.1767_1768del, p.Ser590fs (NM_005183.4); short protein forms S525fs, S579fs, S590fs.
Identifiers: ClinVar variation 3637881 (VCV003637881.2).